The following is an entry in ClinVar:

ClinVar aggregate classification (germline): Uncertain significance (1 of 4 stars; one submission).

Conditions:
Inborn genetic diseases. Identifiers: MedGen C0950123, MeSH D030342.

Submission:

Ambry Genetics
Classification: Uncertain significance for Inborn genetic diseases. Last evaluated: 2024-12-06. Review status: criteria provided, single submitter. Criteria: Ambry Variant Classification Scheme 2023. Collection method: clinical testing. Allele origin: germline.
Comment: The p.S561F variant (also known as c.1682C>T), located in coding exon 7 of the SH2B3 gene, results from a C to T substitution at nucleotide position 1682. The serine at codon 561 is replaced by phenylalanine, an amino acid with highly dissimilar properties. This amino acid position is conserved. In addition, this alteration is predicted to be tolerated by in silico analysis. Based on the available evidence, the clinical significance of this variant remains unclear.

NM_005475.3(SH2B3):c.1682C>T (p.Ser561Phe)

Gene: SH2B3 (SH2B adaptor protein 3; plus strand). Cytogenetic location: 12q24.12.
Variant type: single nucleotide variant.
Coding change: c.1682C>T on transcript NM_005475.3 (MANE Select); coding-DNA position 1682, C replaced by T.
Protein change: p.Ser561Phe; replaces serine 561 with phenylalanine.
Molecular consequence: missense variant.
Genome position (GRCh38, 1-based): chr12:111,448,256, C>T. VCF-style: chr12-111448256-C-T. GRCh37 (hg19) VCF-style: chr12-111886060-C-T.
Other names: c.1076C>T, p.Ser359Phe (NM_001291424.1); short protein forms S359F, S561F.
Identifiers: ClinVar variation 3440831 (VCV003440831.1).
Genomic context (GRCh38, chr12:111,448,256, plus strand): 5'-ACCTGGAGCATGAGCCTGTGAATCGAGCCCGGGACTCGGACTACGAAATGGACTCATCCT[C>T]CCGGAGCCACCTGCGGGCCATAGACAATCAGTACACACCTCTCTGACCAGTGAGGAATTC-3'
Protein context (NP_005466.1, residues 551-571): RDSDYEMDSS[Ser561Phe]RSHLRAIDNQ